The following is an entry in ClinVar:

ClinVar aggregate classification (germline): Benign (1 of 4 stars; one submission).

Allele frequency attached by ClinVar (database versions not stated): 1000 Genomes Project 30x 0.37289; 1000 Genomes Project 0.37460; gnomAD 0.38580 and 0.38992; TOPMed 0.39622.
gnomAD v4.1: 58,875 of 151,938 alleles (39%); highest among the groups gnomAD compares: East Asian, 45%; 11,504 homozygotes.

Submission:

GeneDx
Classification: Benign. Last evaluated: 2019-01-11. Review status: criteria provided, single submitter. Criteria: GeneDx Variant Classification Process June 2021. Collection method: clinical testing. Allele origin: germline. Affected: yes.
Comment: This variant is associated with the following publications: (PMID: 30530919, 28666732)

NM_005359.6(SMAD4):c.-127-650C>T

Gene: SMAD4 (SMAD family member 4; plus strand). Cytogenetic location: 18q21.2.
Variant type: single nucleotide variant.
Coding change: c.-127-650C>T on transcript NM_005359.6 (MANE Select); 650 bases into the intron before 127 bases upstream of the start codon, C replaced by T.
Molecular consequence: intron variant.
Genome position (GRCh38, 1-based): chr18:51,046,270, C>T. VCF-style: chr18-51046270-C-T. GRCh37 (hg19) VCF-style: chr18-48572640-C-T.
Identifiers: ClinVar variation 1268470 (VCV001268470.1), dbSNP rs12455792, ClinGen allele CA14561522.
Genomic context (GRCh38, chr18:51,046,270, plus strand): 5'-CATTTTGTAATCCCAGCACCAAGGAGTGAGGGTCCAATTTCTCGGCTTCTTCAATACTTA[C>T]TATTGTCTTTTTGATATATCCATCTCAGTAGGTATGAAGTAGCAGCTCATTGTGGTTTTG-3'